The following is an entry in ClinVar:

NM_000268.4(NF2):c.115-4G>T

Gene: NF2 (NF2, moesin-ezrin-radixin like (MERLIN) tumor suppressor; plus strand). Cytogenetic location: 22q12.2.
Variant type: single nucleotide variant.
Coding change: c.115-4G>T on transcript NM_000268.4 (MANE Select); 4 bases into the intron before coding-DNA position 115, G replaced by T.
Molecular consequence: intron variant.
Genome position (GRCh38, 1-based): chr22:29,636,747, G>T. VCF-style: chr22-29636747-G-T. GRCh37 (hg19) VCF-style: chr22-30032736-G-T.
Other names: c.115-4G>T (NM_016418.5, NM_181832.3, NM_181833.3 and 2 more transcripts); c.115-2343G>T (NM_181828.3); c.115-5455G>T (NM_181830.3, NM_181831.3).
Identifiers: ClinVar variation 1734975 (VCV001734975.2), dbSNP rs2065657756, ClinGen allele CA2580099434.

ClinVar aggregate classification (germline): Uncertain significance (1 of 4 stars; one submission).

Conditions:
Hereditary cancer-predisposing syndrome. Also called: Neoplastic Syndromes, Hereditary; Tumor predisposition; Hereditary Cancer Syndrome; Hereditary neoplastic syndrome. Identifiers: Orphanet 140162, MedGen C0027672, MeSH D009386, MONDO:0015356.

Submission:

Ambry Genetics
Classification: Uncertain significance for Hereditary cancer-predisposing syndrome. Last evaluated: 2021-09-10. Review status: criteria provided, single submitter. Criteria: Ambry Variant Classification Scheme 2023. Collection method: clinical testing. Allele origin: germline.
Comment: The c.115-4G>T intronic variant results from a G to T substitution 4 nucleotides upstream from coding exon 2 in the NF2 gene. This nucleotide position is not well conserved in available vertebrate species. In silico splice site analysis predicts that this alteration will not have any significant effect on splicing. Since supporting evidence is limited at this time, the clinical significance of this alteration remains unclear.